The following is an entry in ClinVar:

ClinVar aggregate classification (germline): Pathogenic (1 of 4 stars; one submission).

Conditions:
Familial hemiplegic migraine. Identifiers: MedGen C0338484, MONDO:0000700.

Submission:

Labcorp Genetics (formerly Invitae), Labcorp
Classification: Pathogenic for Familial hemiplegic migraine. Last evaluated: 2026-01-21. Review status: criteria provided, single submitter. Criteria: Invitae Variant Classification Sherloc (09022015). Collection method: clinical testing. Allele origin: germline.
Comment: This sequence change creates a premature translational stop signal (p.Ile708Metfs*4) in the ATP1A2 gene. It is expected to result in an absent or disrupted protein product. Loss-of-function variants in ATP1A2 are known to be pathogenic (PMID: 30690204). This variant is not present in population databases (gnomAD no frequency). This variant has not been reported in the literature in individuals affected with ATP1A2-related conditions. For these reasons, this variant has been classified as Pathogenic.

Literature cited by the submitters: PubMed 30690204.

NM_000702.4(ATP1A2):c.2124del (p.Ile708fs)

Gene: ATP1A2 (ATPase Na+/K+ transporting subunit alpha 2; plus strand). Cytogenetic location: 1q23.2.
Variant type: Deletion.
Coding change: c.2124del on transcript NM_000702.4 (MANE Select); coding-DNA position 2124, one base deleted (T; older notation c.2124delT).
Protein change: p.Ile708fs; shifts the reading frame from isoleucine 708.
Molecular consequence: frameshift variant.
Genome position (GRCh38, 1-based): chr1:160,135,442, T deleted; the last of 2 consecutive T bases (chr1:160,135,441-160,135,442); deleting either gives the same sequence. VCF-style (leftmost placement, unchanged base first): chr1-160135440-AT-A. GRCh37 (hg19) VCF-style: chr1-160105230-AT-A.
Other names: short protein forms I708fs.
Identifiers: ClinVar variation 4730073 (VCV004730073.1).